The following is an entry in ClinVar:

NM_000059.4(BRCA2):c.664_665del (p.Pro222fs)

Gene: BRCA2 (BRCA2 DNA repair associated; plus strand). Cytogenetic location: 13q13.1.
Variant type: Deletion.
Coding change: c.664_665del on transcript NM_000059.4 (MANE Select); coding-DNA positions 664 to 665, 2 bases deleted (CC; older notation c.664_665delCC).
Protein change: p.Pro222fs; shifts the reading frame from proline 222.
Molecular consequence: frameshift variant.
Genome position (GRCh38, 1-based): chr13:32,329,475-32,329,476, CC deleted. VCF-style (leftmost placement, unchanged base first): chr13-32329474-TCC-T. GRCh37 (hg19) VCF-style: chr13-32903611-TCC-T.
Other names: 892delCC; short protein forms P222fs.
Identifiers: ClinVar variation 266968 (VCV000266968.3), dbSNP rs886040671, ClinGen allele CA10589040.

ClinVar aggregate classification (germline): Pathogenic (3 of 4 stars; one submission).

Conditions:
Breast-ovarian cancer, familial, susceptibility to, 2 (BROVCA2). Also called: BRCA2 Hereditary Breast and Ovarian Cancer. Identifiers: Orphanet 145, MedGen C2675520, MONDO:0012933, OMIM 612555. Disease mechanism: loss of function.

Submission:

Evidence-based Network for the Interpretation of Germline Mutant Alleles (ENIGMA)
Classification: Pathogenic for Breast-ovarian cancer, familial, susceptibility to, 2. Last evaluated: 2016-10-18. Review status: reviewed by expert panel. Criteria: ENIGMA BRCA1/2 Classification Criteria (2015). Collection method: curation. Allele origin: germline.
Comment: Variant allele predicted to encode a truncated non-functional protein.